The following is an entry in ClinVar:

NM_001378120.1(MBD5):c.2642G>A (p.Ser881Asn)

Gene: MBD5 (methyl-CpG binding domain protein 5; plus strand). Cytogenetic location: 2q23.1.
Variant type: single nucleotide variant.
Coding change: c.2642G>A on transcript NM_001378120.1 (MANE Select); coding-DNA position 2642, G replaced by A.
Protein change: p.Ser881Asn; replaces serine 881 with asparagine.
Molecular consequence: missense variant.
Genome position (GRCh38, 1-based): chr2:148,483,233, G>A. VCF-style: chr2-148483233-G-A. GRCh37 (hg19) VCF-style: chr2-149240802-G-A.
Other names: c.2642G>A, p.Ser881Asn (NM_018328.5); short protein forms S881N.
Identifiers: ClinVar variation 835674 (VCV000835674.10), dbSNP rs1559094826, ClinGen allele CA348722380.

ClinVar aggregate classification (germline): Uncertain significance (1 of 4 stars; one submission).

Conditions:
Intellectual developmental disorder, autosomal dominant 1. Also called: Intellectual disability, autosomal dominant 1; MBD5 Haploinsufficiency. Identifiers: Orphanet 228402, MedGen C1969562, MONDO:0007974, OMIM 156200.

Allele frequency attached by ClinVar (database versions not stated): gnomAD below 0.00001 and 0.00001; gnomAD exomes below 0.00001; TOPMed 0.00001.
gnomAD v4.1: 3 of 1,613,918 alleles (0.00019%); highest among the groups gnomAD compares: South Asian, 0.0022%; no homozygotes.

Submission:

Labcorp Genetics (formerly Invitae), Labcorp
Classification: Uncertain significance for Intellectual developmental disorder, autosomal dominant 1. Last evaluated: 2024-08-18. Review status: criteria provided, single submitter. Criteria: Invitae Variant Classification Sherloc (09022015). Collection method: clinical testing. Allele origin: germline.
Comment: This sequence change replaces serine, which is neutral and polar, with asparagine, which is neutral and polar, at codon 881 of the MBD5 protein (p.Ser881Asn). This variant is not present in population databases (gnomAD no frequency). This missense change has been observed in individual(s) with clinical features of MBD5-related conditions (Invitae). ClinVar contains an entry for this variant (Variation ID: 835674). Invitae Evidence Modeling of protein sequence and biophysical properties (such as structural, functional, and spatial information, amino acid conservation, physicochemical variation, residue mobility, and thermodynamic stability) indicates that this missense variant is not expected to disrupt MBD5 protein function with a negative predictive value of 80%. In summary, the available evidence is currently insufficient to determine the role of this variant in disease. Therefore, it has been classified as a Variant of Uncertain Significance.